The following is an entry in ClinVar:

ClinVar aggregate classification (germline): Likely benign (1 of 4 stars; one submission).

Allele frequency attached by ClinVar (database versions not stated): TOPMed 0.00001.
gnomAD v4.1: 3 of 1,614,112 alleles (0.00019%); highest among the groups gnomAD compares: Middle Eastern, 0.017%; no homozygotes.

Submission:

CeGaT Center for Human Genetics Tuebingen
Classification: Likely benign. Last evaluated: 2022-06-01. Review status: criteria provided, single submitter. Criteria: CeGaT Center For Human Genetics Tuebingen Variant Classification Criteria Version 2. Collection method: clinical testing. Allele origin: germline. Affected: yes. Observed: 1 variant allele.
Comment: DLL1: PM2:Supporting, BP4, BP7

NM_005618.4(DLL1):c.1158T>C (p.Asp386=)

Gene: DLL1 (delta like canonical Notch ligand 1; minus strand). Cytogenetic location: 6q27.
Variant type: single nucleotide variant.
Coding change: c.1158T>C on transcript NM_005618.4 (MANE Select); coding-DNA position 1158, T replaced by C.
Protein change: p.Asp386=; no amino-acid change (aspartic acid 386 retained).
Molecular consequence: synonymous variant.
Genome position (GRCh38, 1-based): chr6:170,285,010, A>G on the plus strand (T>C on the coding strand, the complement: DLL1 is on the minus strand). VCF-style: chr6-170285010-A-G. GRCh37 (hg19) VCF-style: chr6-170594098-A-G.
Identifiers: ClinVar variation 1695178 (VCV001695178.31), dbSNP rs887918364, ClinGen allele CA152191981.
Genomic context (GRCh38, chr6:170,285,010, plus strand): 5'-AATTTTCTTCTCACAGTTGAAGCCGGAGTAGCCCACGGGGCAGCGGCAGCTGTACCCTCC[A>G]TCGGGGCTGTCTGAGCACCGACCCCCGTTAAAGCAAGGGCCGTCCGCACAGGTCATGGCA-3'
Protein context (NP_005609.3, residues 376-396): FNGGRCSDSP[Asp386=]GGYSCRCPVG